The following is an entry in ClinVar:

ClinVar aggregate classification (germline): Pathogenic/Likely pathogenic. Review status: criteria provided, multiple submitters, no conflicts (2 of 4 stars). 2 submissions from 2 submitters: Pathogenic (1); Likely pathogenic (1). Last evaluated 2024-05-16.

Conditions:
Corticosterone 18-monooxygenase deficiency. Also called: ALDOSTERONE DEFICIENCY DUE TO DEFECT IN STEROID 18-HYDROXYLASE; ALDOSTERONE DEFICIENCY I; CMO I DEFICIENCY; STEROID 18-HYDROXYLASE DEFICIENCY; 18 Hydroxylase deficiency; Aldosterone deficiency due to defect in 18 hydroxylase. Identifiers: Orphanet 427, MedGen C0268293, MONDO:0008751, OMIM 203400. Disease mechanism: loss of function.
Corticosterone methyloxidase type 2 deficiency. Also called: 18-OXIDASE DEFICIENCY; ALDOSTERONE DEFICIENCY DUE TO DEFICIENCY OF STEROID 18-OXIDASE; ALDOSTERONE DEFICIENCY II; CMO II DEFICIENCY; STEROID 18-OXIDASE DEFICIENCY. Identifiers: Orphanet 427, MedGen C3463917, MONDO:0012524, OMIM 610600. Disease mechanism: loss of function.

Allele frequency attached by ClinVar (database versions not stated): gnomAD 0.00001.
gnomAD v4.1: 1 of 1,613,608 alleles (0.000062%); highest among the groups gnomAD compares: African/African-American, 0.0013%; no homozygotes.

Submissions (2):

Fulgent Genetics
Classification: Likely pathogenic for Corticosterone 18-monooxygenase deficiency; Corticosterone methyloxidase type 2 deficiency. Last evaluated: 2024-05-16. Review status: criteria provided, single submitter. Criteria: ACMG Guidelines, 2015. Collection method: clinical testing. Allele origin: germline.

Labcorp Genetics (formerly Invitae), Labcorp
Classification: Pathogenic. Last evaluated: 2020-12-04. Review status: criteria provided, single submitter. Criteria: Invitae Variant Classification Sherloc (09022015). Collection method: clinical testing. Allele origin: germline.
Comment: Algorithms developed to predict the effect of sequence changes on RNA splicing suggest that this variant may create or strengthen a splice site, but this prediction has not been confirmed by published transcriptional studies. For these reasons, this variant has been classified as Pathogenic. This variant has not been reported in the literature in individuals with CYP11B2-related conditions. This variant is not present in population databases (ExAC no frequency). This sequence change creates a premature translational stop signal (p.Glu228*) in the CYP11B2 gene. It is expected to result in an absent or disrupted protein product. Loss-of-function variants in CYP11B2 are known to be pathogenic (PMID: 20494601, 22801770, 26936515).

Literature cited by the submitters: PubMed 20494601 (cited by Labcorp Genetics (formerly Invitae), Labcorp); PubMed 22801770 (cited by Labcorp Genetics (formerly Invitae), Labcorp); PubMed 26936515 (cited by Labcorp Genetics (formerly Invitae), Labcorp).

NM_000498.3(CYP11B2):c.682G>T (p.Glu228Ter)

Genes: CYP11B2 (cytochrome P450 family 11 subfamily B member 2; minus strand), LOC106799834 (CYP11B2 recombination region; plus strand). Cytogenetic location: 8q24.3.
Variant type: single nucleotide variant.
Coding change: c.682G>T on transcript NM_000498.3 (MANE Select); coding-DNA position 682, G replaced by T.
Protein change: p.Glu228Ter; replaces glutamic acid 228 with a stop codon.
Molecular consequence: nonsense.
Genome position (GRCh38, 1-based): chr8:142,914,822, C>A on the plus strand (G>T on the coding strand, the complement: CYP11B2 is on the minus strand). VCF-style: chr8-142914822-C-A. GRCh37 (hg19) VCF-style: chr8-143996238-C-A.
Other names: short protein forms E228*.
Identifiers: ClinVar variation 1382371 (VCV001382371.8), dbSNP rs1817612031, ClinGen allele CA372389558.
Genomic context (GRCh38, chr8:142,914,822, plus strand): 5'-TCCAGCGAGACAGGCTCCTGGGCATGAACATGAGCTGGACGGTGGATTTGAACATGACCT[C>A]CAGGGCATGGAGGAAGTTCAGGCTGGCAGAACTGGGGCTGTGGCCAACCAGGCCCAGCCG-3'